The following is an entry in ClinVar:

ClinVar aggregate classification (germline): Pathogenic (1 of 4 stars; one submission).

Conditions:
Fabry disease. Also called: ALPHA-GALACTOSIDASE A DEFICIENCY; ANDERSON-FABRY DISEASE; CERAMIDE TRIHEXOSIDASE DEFICIENCY; GLA DEFICIENCY; HEREDITARY DYSTOPIC LIPIDOSIS; Angiokeratoma corporis diffusum. Identifiers: Orphanet 324, MedGen C0002986, MONDO:0010526, OMIM 301500, HP:0001071. Disease mechanism: Fabry disease is due to inactivating mutations in the X-linked GLA gene resulting in deficiency of the enzyme Alpha Galactosidase-A., loss of function.

Submission:

Genomenon, Inc
Classification: Pathogenic for Fabry disease. Last evaluated: 2026-09-08. Review status: criteria provided, single submitter. Criteria: Genomenon Sequence Variant Interpretation Standards - Updated. Collection method: curation. Allele origin: germline. Affected: yes.
Comment: GLA p.Val124PhefsTer6 (c.370del) is a frameshift variant that is predicted to introduce a premature termination codon and result in a truncated or absent protein product. This variant has been observed in at least one proband with clinical features consistent with Fabry disease (PMID:25965380;34282462). Functional or patient cell studies have been reported (PMID:24236025;34282462). It is absent or not present at a significant frequency in gnomAD. In conclusion, we classify GLA p.Val124PhefsTer6 (c.370del) as a pathogenic variant.

Literature cited by the submitters: PubMed 25965380; PubMed 34282462; PubMed 24236025.

NM_000169.3(GLA):c.370del

Genes: GLA (galactosidase alpha; minus strand), RPL36A-HNRNPH2 (RPL36A-HNRNPH2 readthrough; plus strand). Cytogenetic location: Xq22.1.
Variant type: Deletion.
Coding change: c.370del on transcript NM_000169.3 (MANE Select); coding-DNA position 370, one base deleted (G; older notation c.370delG).
Molecular consequence: splice acceptor variant. On other transcripts: intron variant (2).
Genome position (GRCh38, 1-based): chrX:101,401,809, C deleted on the plus strand (G on the coding strand, the reverse complement: GLA is on the minus strand); the first of 2 consecutive C bases (chrX:101,401,809-101,401,810); deleting either gives the same sequence. VCF-style (leftmost placement, unchanged base first): chrX-101401808-AC-A. GRCh37 (hg19) VCF-style: chrX-100656796-AC-A.
Other names: c.300+6353del (NM_001199973.2); c.177+9988del (NM_001199974.2).
Identifiers: ClinVar variation 4086949 (VCV004086949.2).